The following is an entry in ClinVar:

ClinVar aggregate classification (germline): Uncertain significance. Review status: criteria provided, multiple submitters, no conflicts (2 of 4 stars). 2 submissions from 2 submitters: Uncertain significance (2). Last evaluated 2022-09-05.

Conditions:
Gastrointestinal stromal tumor. Also called: Gastrointestinal stromal tumor, somatic; Gastrointestinal stroma tumor. Identifiers: Orphanet 44890, MedGen C0238198, MeSH D046152, MONDO:0011719, OMIM 606764, HP:0100723.
Hereditary cancer-predisposing syndrome. Also called: Hereditary neoplastic syndrome; Neoplastic Syndromes, Hereditary; Hereditary Cancer Syndrome; Tumor predisposition. Identifiers: Orphanet 140162, MedGen C0027672, MeSH D009386, MONDO:0015356.

Submissions (2):

Ambry Genetics
Classification: Uncertain significance for Hereditary cancer-predisposing syndrome. Last evaluated: 2022-09-05. Review status: criteria provided, single submitter. Criteria: Ambry Variant Classification Scheme 2023. Collection method: clinical testing. Allele origin: germline.
Comment: The p.F229L variant (also known as c.685T>C), located in coding exon 4 of the KIT gene, results from a T to C substitution at nucleotide position 685. The phenylalanine at codon 229 is replaced by leucine, an amino acid with highly similar properties. This amino acid position is conserved. In addition, this alteration is predicted to be tolerated by in silico analysis. Since supporting evidence is limited at this time, the clinical significance of this alteration remains unclear.

Labcorp Genetics (formerly Invitae), Labcorp
Classification: Uncertain significance for Gastrointestinal stromal tumor. Last evaluated: 2018-02-12. Review status: criteria provided, single submitter. Criteria: Invitae Variant Classification Sherloc (09022015). Collection method: clinical testing. Allele origin: germline.
Comment: This variant is not present in population databases (ExAC no frequency). This sequence change replaces phenylalanine with leucine at codon 229 of the KIT protein (p.Phe229Leu). The phenylalanine residue is highly conserved and there is a small physicochemical difference between phenylalanine and leucine. This variant has not been reported in the literature in individuals with KIT-related disease. Algorithms developed to predict the effect of missense changes on protein structure and function do not agree on the potential impact of this missense change (SIFT: "Tolerated"; PolyPhen-2: "Probably Damaging"; Align-GVGD: "Class C0"). In summary, the available evidence is currently insufficient to determine the role of this variant in disease. Therefore, it has been classified as a Variant of Uncertain Significance.

NM_000222.3(KIT):c.685T>C (p.Phe229Leu)

Gene: KIT (KIT proto-oncogene, receptor tyrosine kinase; plus strand). Cytogenetic location: 4q12.
Variant type: single nucleotide variant.
Coding change: c.685T>C on transcript NM_000222.3 (MANE Select); coding-DNA position 685, T replaced by C.
Protein change: p.Phe229Leu; replaces phenylalanine 229 with leucine.
Molecular consequence: missense variant.
Genome position (GRCh38, 1-based): chr4:54,699,695, T>C. VCF-style: chr4-54699695-T-C. GRCh37 (hg19) VCF-style: chr4-55565861-T-C.
Other names: c.685T>C, p.Phe229Leu (NM_001093772.2, NM_001385284.1, NM_001385285.1 and 4 more transcripts); short protein forms F229L.
Identifiers: ClinVar variation 570617 (VCV000570617.11), dbSNP rs1560396887, ClinGen allele CA356898343.